The following is an entry in ClinVar:

NM_000143.4(FH):c.1021G>A (p.Asp341Asn)

Gene: FH (fumarate hydratase; minus strand). Cytogenetic location: 1q43.
Variant type: single nucleotide variant.
Coding change: c.1021G>A on transcript NM_000143.4 (MANE Select); coding-DNA position 1021, G replaced by A.
Protein change: p.Asp341Asn; replaces aspartic acid 341 with asparagine.
Molecular consequence: missense variant.
Genome position (GRCh38, 1-based): chr1:241,504,129, C>T on the plus strand (G>A on the coding strand, the complement: FH is on the minus strand). VCF-style: chr1-241504129-C-T. GRCh37 (hg19) VCF-style: chr1-241667429-C-T.
Other names: short protein forms D341N.
Identifiers: ClinVar variation 405923 (VCV000405923.49), dbSNP rs11545655, ClinGen allele CA16610053.

ClinVar aggregate classification (germline): Pathogenic/Likely pathogenic. Review status: criteria provided, multiple submitters, no conflicts (2 of 4 stars). 3 submissions from 3 submitters: Pathogenic (1); Likely pathogenic (2). Last evaluated 2025-11-26.

Conditions:
Hereditary cancer-predisposing syndrome. Also called: Hereditary Cancer Syndrome; Hereditary neoplastic syndrome; Neoplastic Syndromes, Hereditary; Tumor predisposition. Identifiers: Orphanet 140162, MedGen C0027672, MeSH D009386, MONDO:0015356.

Submissions (3):

Ambry Genetics
Classification: Likely pathogenic for Hereditary cancer-predisposing syndrome. Last evaluated: 2025-11-26. Review status: criteria provided, single submitter. Criteria: Ambry Variant Classification Scheme 2023. Collection method: clinical testing. Allele origin: germline.
Comment: The p.D341N variant (also known as c.1021G>A), located in coding exon 7 of the FH gene, results from a G to A substitution at nucleotide position 1021. The aspartic acid at codon 341 is replaced by asparagine, an amino acid with highly similar properties. This variant was reported in individuals with features consistent with hereditary leiomyomatosis and renal cell cancer syndrome (Yamasaki T et al. Nat Rev Urol, 2011 Mar;8:165-71; Kuwada M et al. BMC Res Notes, 2014 Mar;7:203; External communication). This amino acid position is highly conserved in available vertebrate species. In addition, this alteration is predicted to be deleterious by in silico analysis. This variant is considered to be rare based on population cohorts in the Genome Aggregation Database (gnomAD). Based on the majority of available evidence to date, this variant is likely to be pathogenic.

Labcorp Genetics (formerly Invitae), Labcorp
Classification: Pathogenic. Last evaluated: 2021-08-28. Review status: criteria provided, single submitter. Criteria: Invitae Variant Classification Sherloc (09022015). Collection method: clinical testing. Allele origin: germline.
Comment: For these reasons, this variant has been classified as Pathogenic. This variant disrupts the p.Asp341 amino acid residue in FH. Other variant(s) that disrupt this residue have been determined to be pathogenic (PMID: 214382, 21051878, Invitae). This suggests that this residue is clinically significant, and that variants that disrupt this residue are likely to be disease-causing. Experimental studies have shown that this variant affects FH protein function (PMID: 21304509) This variant has been observed in individual(s) with clinical features of hereditary leiomyomatosis and renal cell cancer (PMID: 24684806, 21304509, 22528940). This variant is not present in population databases (ExAC no frequency). This sequence change replaces aspartic acid with asparagine at codon 341 of the FH protein (p.Asp341Asn). The aspartic acid residue is highly conserved and there is a small physicochemical difference between aspartic acid and asparagine.

GeneDx
Classification: Likely pathogenic. Last evaluated: 2019-03-27. Review status: criteria provided, single submitter. Criteria: GeneDx Variant Classification Process June 2021. Collection method: clinical testing. Allele origin: germline. Affected: yes.
Comment: Not observed at significant frequency in large population cohorts (gnomAD); In silico analysis supports that this missense variant has a deleterious effect on protein structure/function; Observed in individuals with renal cell carcinoma and uterine fibroids referred for genetic testing at GeneDx and in published literature (Yamasaki et al., 2011; Vaidya et al., 2012; Kuwada et al., 2014); This variant is associated with the following publications: (PMID: 21304509, 24684806, 22528940)

Literature cited by the submitters: PubMed 21304509 (cited by Ambry Genetics and Labcorp Genetics (formerly Invitae), Labcorp); PubMed 24684806 (cited by Ambry Genetics and Labcorp Genetics (formerly Invitae), Labcorp); PubMed 214382 (cited by Labcorp Genetics (formerly Invitae), Labcorp); PubMed 21051878 (cited by Labcorp Genetics (formerly Invitae), Labcorp); PubMed 22528940 (cited by Labcorp Genetics (formerly Invitae), Labcorp).